The following is an entry in ClinVar:

ClinVar aggregate classification (germline): Uncertain significance (1 of 4 stars; one submission).

Conditions:
Cardiomyopathy (CMYO). Also called: Cardiomyopathies. Identifiers: Orphanet 167848, MedGen C0878544, MONDO:0004994, HP:0001638. Inheritance: Various modes of inheritance.

Submission:

Color Diagnostics, LLC DBA Color Health
Classification: Uncertain significance for Cardiomyopathy. Last evaluated: 2023-12-04. Review status: criteria provided, single submitter. Criteria: ACMG Guidelines, 2015. Collection method: clinical testing. Allele origin: germline.
Comment: Variant of Uncertain Significance due to insufficient evidence: This missense variant is located in the proline-rich region of the MYL3 protein. Computational prediction tools and conservation analyses are inconclusive regarding the impact of this variant on the protein function. Computational splicing tools suggest that this variant may not impact RNA splicing. To our knowledge, functional assays have not been performed for this variant nor has this variant been reported in individuals affected with cardiovascular disorders in the literature. This variant is rare in the general population and has been identified in 0/277264 chromosomes by the Genome Aggregation Database (gnomAD). Available evidence is insufficient to determine the role of this variant in disease conclusively.

NM_000258.3(MYL3):c.52A>G (p.Lys18Glu)

Gene: MYL3 (myosin light chain 3; minus strand). Cytogenetic location: 3p21.31.
Variant type: single nucleotide variant.
Coding change: c.52A>G on transcript NM_000258.3 (MANE Select); coding-DNA position 52, A replaced by G.
Protein change: p.Lys18Glu; replaces lysine 18 with glutamic acid.
Molecular consequence: missense variant.
Genome position (GRCh38, 1-based): chr3:46,863,339, T>C on the plus strand (A>G on the coding strand, the complement: MYL3 is on the minus strand). VCF-style: chr3-46863339-T-C. GRCh37 (hg19) VCF-style: chr3-46904829-T-C.
Other names: short protein forms K18E.
Identifiers: ClinVar variation 918521 (VCV000918521.5), dbSNP rs1702011793, ClinGen allele CA352499764.